The following is an entry in ClinVar:

ClinVar aggregate classification (germline): Pathogenic (1 of 4 stars; one submission).

Conditions:
Fanconi anemia (FA). Also called: Fanconi's anemia. Identifiers: Orphanet 84, MedGen C0015625, MeSH D005199, MONDO:0019391.

Submission:

Labcorp Genetics (formerly Invitae), Labcorp
Classification: Pathogenic for Fanconi anemia. Last evaluated: 2023-06-29. Review status: criteria provided, single submitter. Criteria: Invitae Variant Classification Sherloc (09022015). Collection method: clinical testing. Allele origin: germline.
Comment: For these reasons, this variant has been classified as Pathogenic. This variant has not been reported in the literature in individuals affected with FANCL-related conditions. This variant is not present in population databases (gnomAD no frequency). This sequence change creates a premature translational stop signal (p.Asp79Ilefs*2) in the FANCL gene. It is expected to result in an absent or disrupted protein product. Loss-of-function variants in FANCL are known to be pathogenic (PMID: 19405097, 23613520).

Literature cited by the submitters: PubMed 19405097; PubMed 23613520.

NM_018062.4(FANCL):c.235del (p.Asp79fs)

Gene: FANCL (FA complementation group L; minus strand). Cytogenetic location: 2p16.1.
Variant type: Deletion.
Coding change: c.235del on transcript NM_018062.4 (MANE Select); coding-DNA position 235, one base deleted (G; older notation c.235delG).
Protein change: p.Asp79fs; shifts the reading frame from aspartic acid 79.
Molecular consequence: frameshift variant.
Genome position (GRCh38, 1-based): chr2:58,226,766, C deleted on the plus strand (G on the coding strand, the reverse complement: FANCL is on the minus strand). VCF-style (leftmost placement, unchanged base first): chr2-58226765-TC-T. GRCh37 (hg19) VCF-style: chr2-58453900-TC-T.
Other names: c.235delG, p.Asp79Ilefs (NM_001114636.2); c.235del, p.Asp79fs (NM_001374615.1, NM_001410792.1); short protein forms D79fs.
Identifiers: ClinVar variation 2732757 (VCV002732757.3), dbSNP rs2467484485, ClinGen allele CA2697548182.